The following is an entry in ClinVar:

ClinVar aggregate classification (germline): Pathogenic (1 of 4 stars; one submission).

Conditions:
Pitt-Hopkins syndrome (PTHS). Also called: ENCEPHALOPATHY, SEVERE EPILEPTIC, WITH AUTONOMIC DYSFUNCTION; MENTAL RETARDATION, SYNDROMAL, WITH INTERMITTENT HYPERVENTILATION. Identifiers: Orphanet 2896, MedGen C1970431, MONDO:0012589, OMIM 610954.

Submission:

Labcorp Genetics (formerly Invitae), Labcorp
Classification: Pathogenic for Pitt-Hopkins syndrome. Last evaluated: 2019-09-02. Review status: criteria provided, single submitter. Criteria: Invitae Variant Classification Sherloc (09022015). Collection method: clinical testing. Allele origin: germline.
Comment: This sequence change creates a premature translational stop signal (p.Gly240Glufs*24) in the TCF4 gene. It is expected to result in an absent or disrupted protein product. This variant is not present in population databases (ExAC no frequency). This variant has not been reported in the literature in individuals with TCF4-related conditions. Loss-of-function variants in TCF4 are known to be pathogenic (PMID: 18728071, 22045651). For these reasons, this variant has been classified as Pathogenic.

Literature cited by the submitters: PubMed 18728071; PubMed 22045651.

NM_001083962.2(TCF4):c.717del (p.Gly240fs)

Gene: TCF4 (transcription factor 4; minus strand). Cytogenetic location: 18q21.2.
Variant type: Deletion.
Coding change: c.717del on transcript NM_001083962.2 (MANE Select); coding-DNA position 717, one base deleted (A; older notation c.717delA).
Protein change: p.Gly240fs; shifts the reading frame from glycine 240.
Molecular consequence: frameshift variant.
Genome position (GRCh38, 1-based): chr18:55,275,691, T deleted on the plus strand (A on the coding strand, the reverse complement: TCF4 is on the minus strand). VCF-style (leftmost placement, unchanged base first): chr18-55275690-CT-C. GRCh37 (hg19) VCF-style: chr18-52942921-CT-C.
Other names: c.645del, p.Gly216fs (NM_001306207.1, NM_001348217.1, NM_001348218.2 and 9 more transcripts); c.504del, p.Gly169fs (NM_001306208.1, NM_001243232.1); c.717del, p.Gly240fs (NM_001330604.3, NM_001369574.1, NM_001369567.1 and 4 more transcripts); c.327del, p.Gly110fs (NM_001330605.3, NM_001348212.2, NM_001348213.2 and 1 more transcripts); c.591del, p.Gly198fs (NM_001348211.2, NM_001243231.2); c.237del, p.Gly80fs (NM_001348214.2, NM_001348216.2, NM_001243234.2 and 2 more transcripts); c.69del, p.Gly24fs (NM_001348215.2); c.642del, p.Gly215fs (NM_001369576.1, NM_001369578.1, NM_001348220.1 and 3 more transcripts); and 4 more; short protein forms G238fs, G24fs, G110fs, G216fs, G169fs, G215fs, G239fs, G240fs.
Identifiers: ClinVar variation 964133 (VCV000964133.3), dbSNP rs2061376825, ClinGen allele CA1139666104.